The following is an entry in ClinVar:

ClinVar aggregate classification (germline): Uncertain significance. Review status: criteria provided, multiple submitters, no conflicts (2 of 4 stars). 2 submissions from 2 submitters: Uncertain significance (2). Last evaluated 2025-10-23.

Conditions:
Periodic fever-infantile enterocolitis-autoinflammatory syndrome. Also called: Autoinflammation with infantile enterocolitis. Identifiers: Orphanet 436166, MedGen C4015067, MONDO:0014472, OMIM 616050.
Familial cold autoinflammatory syndrome 4 (FCAS4). Identifiers: Orphanet 47045, Orphanet 576349, MedGen C4015276, MONDO:0014498, OMIM 616115.
Inborn genetic diseases. Identifiers: MedGen C0950123, MeSH D030342.

Allele frequency attached by ClinVar (database versions not stated): gnomAD exomes 0.00001; TOPMed below 0.00001.
gnomAD v4.1: 19 of 1,614,220 alleles (0.0012%); highest among the groups gnomAD compares: African/African-American, 0.0013%; no homozygotes.

Submissions (2):

Labcorp Genetics (formerly Invitae), Labcorp
Classification: Uncertain significance for Periodic fever-infantile enterocolitis-autoinflammatory syndrome; Familial cold autoinflammatory syndrome 4. Last evaluated: 2025-10-23. Review status: criteria provided, single submitter. Criteria: Invitae Variant Classification Sherloc (09022015). Collection method: clinical testing. Allele origin: germline.
Comment: This sequence change replaces glutamic acid, which is acidic and polar, with glycine, which is neutral and non-polar, at codon 542 of the NLRC4 protein (p.Glu542Gly). This variant is present in population databases (no rsID available, gnomAD 0.002%). This variant has not been reported in the literature in individuals affected with NLRC4-related conditions. ClinVar contains an entry for this variant (Variation ID: 2938483). Invitae Evidence Modeling of protein sequence and biophysical properties (such as structural, functional, and spatial information, amino acid conservation, physicochemical variation, residue mobility, and thermodynamic stability) indicates that this missense variant is expected to disrupt NLRC4 protein function with a positive predictive value of 80%. In summary, the available evidence is currently insufficient to determine the role of this variant in disease. Therefore, it has been classified as a Variant of Uncertain Significance.

Ambry Genetics
Classification: Uncertain significance for Inborn genetic diseases. Last evaluated: 2025-01-24. Review status: criteria provided, single submitter. Criteria: Ambry Variant Classification Scheme 2023. Collection method: clinical testing. Allele origin: germline.

NM_001199138.2(NLRC4):c.1625A>G (p.Glu542Gly)

Gene: NLRC4 (NLR family CARD domain containing 4; minus strand). Cytogenetic location: 2p22.3.
Variant type: single nucleotide variant.
Coding change: c.1625A>G on transcript NM_001199138.2 (MANE Select); coding-DNA position 1625, A replaced by G.
Protein change: p.Glu542Gly; replaces glutamic acid 542 with glycine.
Molecular consequence: missense variant. On other transcripts: intron variant (1).
Genome position (GRCh38, 1-based): chr2:32,250,239, T>C on the plus strand (A>G on the coding strand, the complement: NLRC4 is on the minus strand). VCF-style: chr2-32250239-T-C. GRCh37 (hg19) VCF-style: chr2-32475308-T-C.
Other names: c.1625A>G, p.Glu542Gly (NM_021209.5, NM_001199139.2); c.262+2180A>G (NM_001302504.1); short protein forms E542G.
Identifiers: ClinVar variation 2938483 (VCV002938483.4), dbSNP rs1319552496, ClinGen allele CA346512063.